The following is an entry in ClinVar:

NM_007294.4(BRCA1):c.212+10T>A

Gene: BRCA1 (BRCA1 DNA repair associated; minus strand). Cytogenetic location: 17q21.31.
Variant type: single nucleotide variant.
Coding change: c.212+10T>A on transcript NM_007294.4 (MANE Select); 10 bases into the intron after coding-DNA position 212, T replaced by A.
Molecular consequence: intron variant.
Genome position (GRCh38, 1-based): chr17:43,106,446, A>T on the plus strand (T>A on the coding strand, the complement: BRCA1 is on the minus strand). VCF-style: chr17-43106446-A-T. GRCh37 (hg19) VCF-style: chr17-41258463-A-T.
Other names: c.71+10T>A (NM_001408459.1, NM_001407945.1, NM_001407736.1 and 99 more transcripts); c.135-1490T>A (NM_001408475.1, NM_001407875.1, NM_001407659.1 and 21 more transcripts); c.2+32T>A (NM_001408509.1, NM_001408508.1, NM_001408491.1 and 58 more transcripts); c.212+10T>A (NM_001408408.1, NM_001407647.1, NM_001408446.1 and 167 more transcripts); c.-218-11586T>A (NM_001407966.1, NM_001407967.1); c.-169-1490T>A (NM_001407963.1, NM_001407960.1, NM_001407965.1 and 4 more transcripts); c.81-1490T>A (NM_001408451.1).
Identifiers: ClinVar variation 867351 (VCV000867351.3), dbSNP rs80358174, ClinGen allele CA916080864.
Genomic context (GRCh38, chr17:43,106,446, plus strand): 5'-GTTATTAAATAATTTCTACTTTTTCCTACTGTGGTTGCTTCCAACCTAGCATCATTACCA[A>T]ATTATATACCTTTTGGTTATATCATTCTTACATAAAGGACACTGTGAAGGCCCTTTCTTC-3'

Conditions:
Breast-ovarian cancer, familial, susceptibility to, 1 (BROVCA1). Also called: BRCA1 Hereditary Breast and Ovarian Cancer; OVARIAN CANCER, SUSCEPTIBILITY TO. Identifiers: Orphanet 145, MedGen C2676676, MONDO:0011450, OMIM 604370. Disease mechanism: loss of function.

Submission:

Brotman Baty Institute, University of Washington
No classification provided (evidence only). Condition: Breast-ovarian cancer, familial 1. Review status: no classification provided. Collection method: in vitro. Allele origin: not applicable. Functional consequence: functionally_normal.
ClinVar note: "not provided" was previously submitted as the classification for the variant. However, the classification appeared to be based only on an observation of functional data so it was converted to no classification on 2025-07-30.